The following is an entry in ClinVar:

ClinVar aggregate classification (germline): Uncertain significance (1 of 4 stars; one submission).

Conditions:
Early Myoclonic Encephalopathy. Identifiers: MedGen C0270855.

Allele frequency attached by ClinVar (database versions not stated): gnomAD exomes 0.00002; TOPMed 0.00002; ExAC 0.00002; gnomAD 0.00002.
gnomAD v4.1: 44 of 1,613,950 alleles (0.0027%); highest among the groups gnomAD compares: Non-Finnish European, 0.0037%; no homozygotes.

Submission:

Labcorp Genetics (formerly Invitae), Labcorp
Classification: Uncertain significance for Early Myoclonic Encephalopathy. Last evaluated: 2024-04-08. Review status: criteria provided, single submitter. Criteria: Invitae Variant Classification Sherloc (09022015). Collection method: clinical testing. Allele origin: germline.
Comment: This sequence change replaces alanine, which is neutral and non-polar, with glycine, which is neutral and non-polar, at codon 6 of the KCND2 protein (p.Ala6Gly). This variant is present in population databases (rs772953261, gnomAD 0.005%). This variant has not been reported in the literature in individuals affected with KCND2-related conditions. ClinVar contains an entry for this variant (Variation ID: 1414320). Advanced modeling of protein sequence and biophysical properties (such as structural, functional, and spatial information, amino acid conservation, physicochemical variation, residue mobility, and thermodynamic stability) performed at Invitae indicates that this missense variant is not expected to disrupt KCND2 protein function with a negative predictive value of 80%. In summary, the available evidence is currently insufficient to determine the role of this variant in disease. Therefore, it has been classified as a Variant of Uncertain Significance.

NM_012281.3(KCND2):c.17C>G (p.Ala6Gly)

Gene: KCND2 (potassium voltage-gated channel subfamily D member 2; plus strand). Cytogenetic location: 7q31.31.
Variant type: single nucleotide variant.
Coding change: c.17C>G on transcript NM_012281.3 (MANE Select); coding-DNA position 17, C replaced by G.
Protein change: p.Ala6Gly; replaces alanine 6 with glycine.
Molecular consequence: missense variant.
Genome position (GRCh38, 1-based): chr7:120,274,649, C>G. VCF-style: chr7-120274649-C-G. GRCh37 (hg19) VCF-style: chr7-119914703-C-G.
Other names: short protein forms A6G.
Identifiers: ClinVar variation 1414320 (VCV001414320.8), dbSNP rs772953261, ClinGen allele CA4453444.
Genomic context (GRCh38, chr7:120,274,649, plus strand): 5'-TTGTAGACGCCTCGTTACCCTTCTTCCTTCCGCTTCAAGTAATCATGGCGGCGGGGGTGG[C>G]AGCGTGGCTGCCTTTTGCAAGGGCAGCGGCTATCGGGTGGATGCCTGTGGCCTCGGGGCC-3'
Protein context (NP_036413.1, residues 1-16): MAAGV[Ala6Gly]AWLPFARAAA